The following is an entry in ClinVar:

NM_031475.3(ESPN):c.2189C>T (p.Pro730Leu)

Gene: ESPN (espin; plus strand). Cytogenetic location: 1p36.31.
Variant type: single nucleotide variant.
Coding change: c.2189C>T on transcript NM_031475.3 (MANE Select); coding-DNA position 2189, C replaced by T.
Protein change: p.Pro730Leu; replaces proline 730 with leucine.
Molecular consequence: missense variant.
Genome position (GRCh38, 1-based): chr1:6,451,960, C>T. VCF-style: chr1-6451960-C-T. GRCh37 (hg19) VCF-style: chr1-6512020-C-T.
Other names: c.2099C>T, p.Pro700Leu (NM_001367473.1); c.2126C>T, p.Pro709Leu (NM_001367474.1); c.2189C>T (NM_031475.2); short protein forms P700L, P730L, P709L.
Identifiers: ClinVar variation 1523744 (VCV001523744.6), dbSNP rs563809513, ClinGen allele CA560413.

ClinVar aggregate classification (germline): Uncertain significance. Review status: criteria provided, multiple submitters, no conflicts (2 of 4 stars). 2 submissions from 2 submitters: Uncertain significance (2). Last evaluated 2025-06-25.

Conditions:
Inborn genetic diseases. Identifiers: MedGen C0950123, MeSH D030342.

Allele frequency attached by ClinVar (database versions not stated): gnomAD exomes 0.00002; ExAC 0.00003; gnomAD 0.00006 and 0.00007; 1000 Genomes Project 0.00020; 1000 Genomes Project 30x 0.00031.
gnomAD v4.1: 24 of 1,610,764 alleles (0.0015%); highest among the groups gnomAD compares: African/African-American, 0.0067%; no homozygotes.

Submissions (2):

Ambry Genetics
Classification: Uncertain significance for Inborn genetic diseases. Last evaluated: 2025-06-25. Review status: criteria provided, single submitter. Criteria: Ambry Variant Classification Scheme 2023. Collection method: clinical testing. Allele origin: germline.

Labcorp Genetics (formerly Invitae), Labcorp
Classification: Uncertain significance. Last evaluated: 2022-04-08. Review status: criteria provided, single submitter. Criteria: Invitae Variant Classification Sherloc (09022015). Collection method: clinical testing. Allele origin: germline.
Comment: This sequence change replaces proline, which is neutral and non-polar, with leucine, which is neutral and non-polar, at codon 730 of the ESPN protein (p.Pro730Leu). This variant is present in population databases (rs563809513, gnomAD 0.01%). This variant has not been reported in the literature in individuals affected with ESPN-related conditions. Algorithms developed to predict the effect of missense changes on protein structure and function are either unavailable or do not agree on the potential impact of this missense change (SIFT: "Tolerated"; PolyPhen-2: "Probably Damaging"; Align-GVGD: "Class C0"). In summary, the available evidence is currently insufficient to determine the role of this variant in disease. Therefore, it has been classified as a Variant of Uncertain Significance.